The following is an entry in ClinVar:

NM_006005.3(WFS1):c.*80C>T

Gene: WFS1 (wolframin ER transmembrane glycoprotein; plus strand). Cytogenetic location: 4p16.1.
Variant type: single nucleotide variant.
Coding change: c.*80C>T on transcript NM_006005.3 (MANE Select); 80 bases downstream of the stop codon, C replaced by T.
Molecular consequence: 3 prime UTR variant.
Genome position (GRCh38, 1-based): chr4:6,302,548, C>T. VCF-style: chr4-6302548-C-T. GRCh37 (hg19) VCF-style: chr4-6304275-C-T.
Other names: c.*80C>T (NM_001145853.1).
Identifiers: ClinVar variation 904525 (VCV000904525.4), dbSNP rs183014938, ClinGen allele CA91798030.

ClinVar aggregate classification (germline): Benign/Likely benign. Review status: criteria provided, multiple submitters, no conflicts (2 of 4 stars). 3 submissions from 2 submitters: Benign (1); Likely benign (2). Last evaluated 2018-01-12.

Conditions:
Autosomal dominant nonsyndromic hearing loss 6 (LFSNHL). Also called: DEAFNESS, AUTOSOMAL DOMINANT 6; DEAFNESS, AUTOSOMAL DOMINANT 14; DEAFNESS, AUTOSOMAL DOMINANT 38; Autosomal dominant nonsyndromic deafness 6; DIDMOAD (Diabetes Insipidus, Diabetes Mellitus, Optic Atrophy, and Deafness). Identifiers: Orphanet 90635, MedGen C1833021, MONDO:0010963, OMIM 600965.
Wolfram syndrome 1 (WFS1). Identifiers: Orphanet 3463, MedGen C4551693, MONDO:0009101, OMIM 222300.
WFS1-Related Spectrum Disorders.

Allele frequency attached by ClinVar (database versions not stated): 1000 Genomes Project 30x 0.00047; 1000 Genomes Project 0.00060; gnomAD 0.00061 and 0.00065; TOPMed 0.00076.
gnomAD v4.1: 182 of 1,589,470 alleles (0.011%); highest among the groups gnomAD compares: African/African-American, 0.2%; 1 homozygote.

Submissions (3):

Illumina Laboratory Services, Illumina
Classification: Likely benign for WFS1-Related Spectrum Disorders. Last evaluated: 2018-01-12. Review status: criteria provided, single submitter. Criteria: ICSL Variant Classification Criteria 13 December 2019. Collection method: clinical testing. Allele origin: germline.
Comment: This variant was observed in the ICSL laboratory as part of a predisposition screen in an ostensibly healthy population. It had not been previously curated by ICSL or reported in the Human Gene Mutation Database (HGMD: prior to June 1st, 2018), and was therefore a candidate for classification through an automated scoring system. Utilizing variant allele frequency, disease prevalence and penetrance estimates, and inheritance mode, an automated score was calculated to assess if this variant is too frequent to cause the disease. Based on the score and internal cut-off values, a variant classified as likely benign is not then subjected to further curation. The score for this variant resulted in a classification of likely benign for this disease.

Illumina Laboratory Services, Illumina
Classification: Likely benign for Autosomal dominant nonsyndromic hearing loss 6. Last evaluated: 2018-01-12. Review status: criteria provided, single submitter. Criteria: ICSL Variant Classification Criteria 13 December 2019. Collection method: clinical testing. Allele origin: germline.
Comment: the same text as in the submission from Illumina Laboratory Services, Illumina above.

Clinical Genomics, Uppaluri K&H Personalized Medicine Clinic
Classification: Benign for Wolfram syndrome 1. Review status: criteria provided, single submitter. Criteria: K & H Uppaluri Personalized Medicine Clinic Variant Classification & Assertion Criteria_Updated V.1. Collection method: research. Allele origin: unknown. Inheritance: Autosomal recessive inheritance.
Comment: Potent mutations in WFS1 gene are associated with Wolfram's syndrome, an autosomal recessive condition, which cause diabetes mellitus, diabetes insipidus, deafness and optic atrophy.However no sufficient evidence is found to ascertain the role of this particular variant rs183014938 in Wolfram's syndrome yet.

Literature cited by the submitters: PubMed 20738327 (cited by Clinical Genomics, Uppaluri K&H Personalized Medicine Clinic); PubMed 33879153 (cited by Clinical Genomics, Uppaluri K&H Personalized Medicine Clinic); PubMed 12955714 (cited by Clinical Genomics, Uppaluri K&H Personalized Medicine Clinic); PubMed 18060660 (cited by Clinical Genomics, Uppaluri K&H Personalized Medicine Clinic); PubMed 20301750 (cited by Clinical Genomics, Uppaluri K&H Personalized Medicine Clinic); PubMed 17603484 (cited by Clinical Genomics, Uppaluri K&H Personalized Medicine Clinic).